The following is an entry in ClinVar:

NM_170606.3(KMT2C):c.2662T>A (p.Ser888Thr)

Gene: KMT2C (lysine methyltransferase 2C; minus strand). Cytogenetic location: 7q36.1.
Variant type: single nucleotide variant.
Coding change: c.2662T>A on transcript NM_170606.3 (MANE Select); coding-DNA position 2662, T replaced by A.
Protein change: p.Ser888Thr; replaces serine 888 with threonine.
Molecular consequence: missense variant.
Genome position (GRCh38, 1-based): chr7:152,235,924, A>T on the plus strand (T>A on the coding strand, the complement: KMT2C is on the minus strand). VCF-style: chr7-152235924-A-T. GRCh37 (hg19) VCF-style: chr7-151933009-A-T.
Other names: short protein forms S888T.
Identifiers: ClinVar variation 2059879 (VCV002059879.28), dbSNP rs151069596, ClinGen allele CA4581089.

ClinVar aggregate classification (germline): Conflicting classifications of pathogenicity. Review status: criteria provided, conflicting classifications (1 of 4 stars). 2 submissions from 2 submitters: Uncertain significance (1); Likely benign (1). Last evaluated 2024-10-01.

Allele frequency attached by ClinVar (database versions not stated): ExAC 0.00024; gnomAD 0.00030; ESP Exome Variant Server 0.00038; gnomAD exomes 0.00038.
gnomAD v4.1: 597 of 1,611,526 alleles (0.037%); highest among the groups gnomAD compares: Non-Finnish European, 0.048%; no homozygotes.

Submissions (2):

CeGaT Center for Human Genetics Tuebingen
Classification: Likely benign. Last evaluated: 2024-10-01. Review status: criteria provided, single submitter. Criteria: CeGaT Center For Human Genetics Tuebingen Variant Classification Criteria Version 2. Collection method: clinical testing. Allele origin: germline. Affected: yes. Observed: 2 variant alleles.
Comment: KMT2C: PP2, BS2

Labcorp Genetics (formerly Invitae), Labcorp
Classification: Uncertain significance. Last evaluated: 2021-05-28. Review status: criteria provided, single submitter. Criteria: Invitae Variant Classification Sherloc (09022015). Collection method: clinical testing. Allele origin: germline.
Comment: In summary, the available evidence is currently insufficient to determine the role of this variant in disease. Therefore, it has been classified as a Variant of Uncertain Significance. Algorithms developed to predict the effect of missense changes on protein structure and function are either unavailable or do not agree on the potential impact of this missense change (SIFT: "Deleterious"; PolyPhen-2: "Probably Damaging"; Align-GVGD: "Class C0"). This variant has not been reported in the literature in individuals with KMT2C-related conditions. This variant is present in population databases (rs151069596, ExAC 0.04%), and has an allele count higher than expected for a pathogenic variant (PMID: 28166811). This sequence change replaces serine with threonine at codon 888 of the KMT2C protein (p.Ser888Thr). The serine residue is highly conserved and there is a small physicochemical difference between serine and threonine.

Literature cited by the submitters: PubMed 28166811 (cited by Labcorp Genetics (formerly Invitae), Labcorp).